The following is an entry in ClinVar:

NC_000009.11:g.(?_73424871)_(73425020_?)dup

Genes: MIR204 (microRNA 204; minus strand), TRPM3 (transient receptor potential cation channel subfamily M member 3; minus strand). Cytogenetic location: 9q21.12.
Variant type: Duplication.
Identifiers: ClinVar variation 1377300 (VCV001377300.5).

ClinVar aggregate classification (germline): Uncertain significance (1 of 4 stars; one submission).

Submission:

Labcorp Genetics (formerly Invitae), Labcorp
Classification: Uncertain significance. Last evaluated: 2023-12-22. Review status: criteria provided, single submitter. Criteria: Invitae Variant Classification Sherloc (09022015). Collection method: clinical testing. Allele origin: germline.
Comment: A copy number gain of the genomic region encompassing the full coding sequence of the MIR204 gene has been identified. The boundaries of this event are unknown as they extend beyond the assayed region for this gene and therefore may encompass additional genes. As the precise location of this event is unknown, it may be in tandem or it may be located elsewhere in the genome. This variant has not been reported in the literature in individuals affected with MIR204-related conditions. In summary, the available evidence is currently insufficient to determine the role of this variant in disease. Therefore, it has been classified as a Variant of Uncertain Significance.